The following is an entry in ClinVar:

ClinVar aggregate classification (germline): Likely benign. Review status: criteria provided, multiple submitters, no conflicts (2 of 4 stars). 3 submissions from 3 submitters: Likely benign (3). Last evaluated 2019-08-15.

Conditions:
Ataxia-telangiectasia syndrome (AT). Also called: Ataxia telangiectasia (A-T); Cerebello-oculocutaneous telangiectasia; Immunodeficiency with ataxia telangiectasia; LOUIS-BAR SYNDROME; AT, COMPLEMENTATION GROUP C; ATAXIA-TELANGIECTASIA, FRESNO VARIANT. Identifiers: Orphanet 100, MedGen C0004135, MONDO:0008840, OMIM 208900.

Allele frequency attached by ClinVar (database versions not stated): 1000 Genomes Project 30x 0.00281; TOPMed 0.00297; 1000 Genomes Project 0.00339.

Submissions (3):

GeneDx
Classification: Likely benign. Last evaluated: 2019-08-15. Review status: criteria provided, single submitter. Criteria: GeneDx Variant Classification Process June 2021. Collection method: clinical testing. Allele origin: germline. Affected: yes.

Mendelics
Classification: Likely benign for Ataxia-telangiectasia syndrome. Last evaluated: 2019-05-28. Review status: criteria provided, single submitter. Criteria: Mendelics Assertion Criteria 2017. Collection method: clinical testing. Allele origin: unknown.

Illumina Laboratory Services, Illumina
Classification: Likely benign for Ataxia-telangiectasia syndrome. Last evaluated: 2018-01-13. Review status: criteria provided, single submitter. Criteria: ICSL Variant Classification Criteria 13 December 2019. Collection method: clinical testing. Allele origin: germline.
Comment: This variant was observed in the ICSL laboratory as part of a predisposition screen in an ostensibly healthy population. It had not been previously curated by ICSL or reported in the Human Gene Mutation Database (HGMD: prior to June 1st, 2018), and was therefore a candidate for classification through an automated scoring system. Utilizing variant allele frequency, disease prevalence and penetrance estimates, and inheritance mode, an automated score was calculated to assess if this variant is too frequent to cause the disease. Based on the score and internal cut-off values, a variant classified as likely benign is not then subjected to further curation. The score for this variant resulted in a classification of likely benign for this disease.

NC_000011.10:g.108222889A>T

Gene: ATM (ATM serine/threonine kinase; plus strand). Cytogenetic location: 11q22.3.
Variant type: single nucleotide variant.
Genome position: GRCh38 VCF-style: chr11-108222889-A-T. GRCh37 (hg19) VCF-style: chr11-108093616-A-T.
Other names: c.-328A>T (NM_000051.3).
Identifiers: ClinVar variation 302233 (VCV000302233.10), dbSNP rs4987880, ClinGen allele CA10633296.